The following is an entry in ClinVar:

ClinVar aggregate classification (germline): Likely benign (1 of 4 stars; one submission).

Allele frequency attached by ClinVar (database versions not stated): gnomAD 0.01389; 1000 Genomes Project 0.01438; 1000 Genomes Project 30x 0.01515; TOPMed 0.01598.
gnomAD v4.1: 2,099 of 152,228 alleles (1.4%); highest among the groups gnomAD compares: African/African-American, 4.8%; 46 homozygotes.

Submission:

GeneDx
Classification: Likely benign. Last evaluated: 2019-08-06. Review status: criteria provided, single submitter. Criteria: GeneDx Variant Classification Process June 2021. Collection method: clinical testing. Allele origin: germline. Affected: yes.
Comment: See Variant Classification Assertion Criteria.

NM_001369369.1(FOXN1):c.699+184T>G

Gene: FOXN1 (forkhead box N1; plus strand). Cytogenetic location: 17q11.2.
Variant type: single nucleotide variant.
Coding change: c.699+184T>G on transcript NM_001369369.1 (MANE Select); 184 bases into the intron after coding-DNA position 699, T replaced by G.
Molecular consequence: intron variant.
Genome position (GRCh38, 1-based): chr17:28,527,545, T>G. VCF-style: chr17-28527545-T-G. GRCh37 (hg19) VCF-style: chr17-26854563-T-G.
Other names: c.699+184T>G (NM_003593.3).
Identifiers: ClinVar variation 1707071 (VCV001707071.2), dbSNP rs144560330, ClinGen allele CA289117682.